The following is an entry in ClinVar:

NM_001083961.2(WDR62):c.2971+133G>A

Gene: WDR62 (WD repeat domain 62; plus strand). Cytogenetic location: 19q13.12.
Variant type: single nucleotide variant.
Coding change: c.2971+133G>A on transcript NM_001083961.2 (MANE Select); 133 bases into the intron after coding-DNA position 2971, G replaced by A.
Molecular consequence: intron variant.
Genome position (GRCh38, 1-based): chr19:36,101,450, G>A. VCF-style: chr19-36101450-G-A. GRCh37 (hg19) VCF-style: chr19-36592352-G-A.
Other names: c.2971+133G>A (NM_173636.5).
Identifiers: ClinVar variation 676416 (VCV000676416.2), dbSNP rs35085674, ClinGen allele CA307841826.

ClinVar aggregate classification (germline): Likely benign. Review status: criteria provided, multiple submitters, no conflicts (2 of 4 stars). 2 submissions from 2 submitters: Likely benign (2). Last evaluated 2018-06-14.

Allele frequency attached by ClinVar (database versions not stated): 1000 Genomes Project 30x 0.00437; 1000 Genomes Project 0.00439; gnomAD 0.01028 and 0.01058; TOPMed 0.01099; gnomAD exomes 0.01341.
gnomAD v4.1: 11,825 of 915,188 alleles (1.3%); highest among the groups gnomAD compares: Middle Eastern, 1.9%; 92 homozygotes.

Submissions (2):

GeneDx
Classification: Likely benign. Last evaluated: 2018-06-14. Review status: criteria provided, single submitter. Criteria: GeneDx Variant Classification (06012015). Collection method: clinical testing. Allele origin: germline. Affected: yes.
Comment: This variant is considered likely benign or benign based on one or more of the following criteria: it is a conservative change, it occurs at a poorly conserved position in the protein, it is predicted to be benign by multiple in silico algorithms, and/or has population frequency not consistent with disease.

Breakthrough Genomics
Classification: Likely benign. Review status: criteria provided, single submitter. Criteria: ACMG Guidelines, 2015. Collection method: not provided. Allele origin: germline. Inheritance: Autosomal recessive inheritance. Affected: yes.